The following is an entry in ClinVar:

NM_173483.4(CYP4F22):c.990C>A (p.Asp330Glu)

Gene: CYP4F22 (cytochrome P450 family 4 subfamily F member 22; plus strand). Cytogenetic location: 19p13.12.
Variant type: single nucleotide variant.
Coding change: c.990C>A on transcript NM_173483.4 (MANE Select); coding-DNA position 990, C replaced by A.
Protein change: p.Asp330Glu; replaces aspartic acid 330 with glutamic acid.
Molecular consequence: missense variant.
Genome position (GRCh38, 1-based): chr19:15,544,021, C>A. VCF-style: chr19-15544021-C-A. GRCh37 (hg19) VCF-style: chr19-15654832-C-A.
Other names: short protein forms D330E.
Identifiers: ClinVar variation 3690829 (VCV003690829.2).

ClinVar aggregate classification (germline): Uncertain significance (1 of 4 stars; one submission).

gnomAD v4.1: 2 of 1,613,988 alleles (0.00012%); highest among the groups gnomAD compares: Non-Finnish European, 0.00017%; no homozygotes.

Submission:

Labcorp Genetics (formerly Invitae), Labcorp
Classification: Uncertain significance. Last evaluated: 2024-10-26. Review status: criteria provided, single submitter. Criteria: Invitae Variant Classification Sherloc (09022015). Collection method: clinical testing. Allele origin: germline.
Comment: This sequence change replaces aspartic acid, which is acidic and polar, with glutamic acid, which is acidic and polar, at codon 330 of the CYP4F22 protein (p.Asp330Glu). This variant is not present in population databases (gnomAD no frequency). This variant has not been reported in the literature in individuals affected with CYP4F22-related conditions. Invitae Evidence Modeling of protein sequence and biophysical properties (such as structural, functional, and spatial information, amino acid conservation, physicochemical variation, residue mobility, and thermodynamic stability) has been performed for this missense variant. However, the output from this modeling did not meet the statistical confidence thresholds required to predict the impact of this variant on CYP4F22 protein function. In summary, the available evidence is currently insufficient to determine the role of this variant in disease. Therefore, it has been classified as a Variant of Uncertain Significance.